The following is an entry in ClinVar:

NM_002185.5(IL7R):c.*2750C>G

Gene: IL7R (interleukin 7 receptor; plus strand). Cytogenetic location: 5p13.2.
Variant type: single nucleotide variant.
Coding change: c.*2750C>G on transcript NM_002185.5 (MANE Select); 2750 bases downstream of the stop codon, C replaced by G.
Molecular consequence: 3 prime UTR variant. On other transcripts: non-coding transcript variant (1).
Genome position (GRCh38, 1-based): chr5:35,879,236, C>G. VCF-style: chr5-35879236-C-G. GRCh37 (hg19) VCF-style: chr5-35879338-C-G.
Identifiers: ClinVar variation 906319 (VCV000906319.4), dbSNP rs6885455, ClinGen allele CA116978994.

ClinVar aggregate classification (germline): Benign (1 of 4 stars; one submission).

Conditions:
Immunodeficiency 104. Also called: IMMUNODEFICIENCY 104, SEVERE COMBINED; Severe combined immunodeficiency, autosomal recessive, T cell-negative, B cell-positive, NK cell-positive; SCID, AUTOSOMAL RECESSIVE, T CELL-NEGATIVE, B CELL-POSITIVE, NK CELL-POSITIVE; Severe Combined Immune Deficiency, Autosomal Recessive, TCell -Negative, B Cell-Positive, NK Cell-Positive, IL7R-Related. Identifiers: MedGen C5676890, MONDO:0012163, OMIM 608971.

Allele frequency attached by ClinVar (database versions not stated): gnomAD exomes 0.00215; gnomAD 0.00993 and 0.01076; 1000 Genomes Project 0.00998; 1000 Genomes Project 30x 0.01046; TOPMed 0.01200.

Submission:

Illumina Laboratory Services, Illumina
Classification: Benign for Immunodeficiency 104. Last evaluated: 2018-01-13. Review status: criteria provided, single submitter. Criteria: ICSL Variant Classification Criteria 13 December 2019. Collection method: clinical testing. Allele origin: germline.
Comment: This variant was observed in the ICSL laboratory as part of a predisposition screen in an ostensibly healthy population. It had not been previously curated by ICSL or reported in the Human Gene Mutation Database (HGMD: prior to June 1st, 2018), and was therefore a candidate for classification through an automated scoring system. Utilizing variant allele frequency, disease prevalence and penetrance estimates, and inheritance mode, an automated score was calculated to assess if this variant is too frequent to cause the disease. Based on the score and internal cut-off values, a variant classified as benign is not then subjected to further curation. The score for this variant resulted in a classification of benign for this disease.